The following is an entry in ClinVar:

ClinVar aggregate classification (germline): Uncertain significance. Review status: criteria provided, multiple submitters, no conflicts (2 of 4 stars). 2 submissions from 2 submitters: Uncertain significance (2). Last evaluated 2023-12-01.

Conditions:
Hereditary breast ovarian cancer syndrome. Also called: Hereditary breast and ovarian cancer syndrome; Hereditary breast and/or ovarian cancer syndrome; BRCA1- and BRCA2-Associated Hereditary Breast and Ovarian Cancer; Hereditary breast and ovarian cancer syndrome (HBOC); Hereditary breast and ovarian cancer; Breast and ovarian cancer. Identifiers: Orphanet 145, MedGen C0677776, MeSH D061325, MONDO:0003582. Disease mechanism: loss of function.
Breast-ovarian cancer, familial, susceptibility to, 2 (BROVCA2). Also called: BRCA2 Hereditary Breast and Ovarian Cancer. Identifiers: Orphanet 145, MedGen C2675520, MONDO:0012933, OMIM 612555. Disease mechanism: loss of function.

Submissions (2):

All of Us Research Program, National Institutes of Health
Classification: Uncertain significance for Breast-ovarian cancer, familial, susceptibility to, 2. Last evaluated: 2023-12-01. Review status: criteria provided, single submitter. Criteria: ACMG Guidelines, 2015. Collection method: clinical testing. Allele origin: germline. Inheritance: Autosomal dominant inheritance. Observed: 1 variant allele, 1 heterozygote.
Comment: This study involves interpretation of variants in research participants for the purpose of population health screening. Participant phenotype was not available at the time of variant classification. Additional details can be found in publication PMID: 35346344, PMCID: PMC8962531

Labcorp Genetics (formerly Invitae), Labcorp
Classification: Uncertain significance for Hereditary breast ovarian cancer syndrome. Last evaluated: 2022-05-08. Review status: criteria provided, single submitter. Criteria: Invitae Variant Classification Sherloc (09022015). Collection method: clinical testing. Allele origin: germline.
Comment: In summary, the available evidence is currently insufficient to determine the role of this variant in disease. Therefore, it has been classified as a Variant of Uncertain Significance. This sequence change replaces serine, which is neutral and polar, with glycine, which is neutral and non-polar, at codon 3375 of the BRCA2 protein (p.Ser3375Gly). This variant is not present in population databases (gnomAD no frequency). This variant has not been reported in the literature in individuals affected with BRCA2-related conditions. ClinVar contains an entry for this variant (Variation ID: 409584). Advanced modeling of protein sequence and biophysical properties (such as structural, functional, and spatial information, amino acid conservation, physicochemical variation, residue mobility, and thermodynamic stability) performed at Invitae indicates that this missense variant is not expected to disrupt BRCA2 protein function.

NM_000059.4(BRCA2):c.10123A>G (p.Ser3375Gly)

Gene: BRCA2 (BRCA2 DNA repair associated; plus strand). Cytogenetic location: 13q13.1.
Variant type: single nucleotide variant.
Coding change: c.10123A>G on transcript NM_000059.4 (MANE Select); coding-DNA position 10123, A replaced by G.
Protein change: p.Ser3375Gly; replaces serine 3375 with glycine.
Molecular consequence: missense variant.
Genome position (GRCh38, 1-based): chr13:32,398,636, A>G. VCF-style: chr13-32398636-A-G. GRCh37 (hg19) VCF-style: chr13-32972773-A-G.
Other names: short protein forms S3375G.
Identifiers: ClinVar variation 409584 (VCV000409584.12), dbSNP rs1060502481, ClinGen allele CA16613991.